The following is an entry in ClinVar:

ClinVar aggregate classification (germline): Pathogenic (1 of 4 stars; one submission).

Conditions:
Malan overgrowth syndrome (MALNS). Also called: NFIX-Related Malan Syndrome; MALAN SYNDROME; Sotos syndrome 2. Identifiers: Orphanet 420179, MedGen C3553660, MONDO:0013885, OMIM 614753.
Marshall-Smith syndrome (MRSHSS). Identifiers: Orphanet 561, MedGen C0265211, MONDO:0011244, OMIM 602535.

Submission:

Labcorp Genetics (formerly Invitae), Labcorp
Classification: Pathogenic for Malan overgrowth syndrome; Marshall-Smith syndrome. Last evaluated: 2026-01-16. Review status: criteria provided, single submitter. Criteria: Invitae Variant Classification Sherloc (09022015). Collection method: clinical testing. Allele origin: germline.
Comment: This sequence change creates a premature translational stop signal (p.Val229Serfs*4) in the NFIX gene. It is expected to result in an absent or disrupted protein product. Loss-of-function variants in NFIX are known to be pathogenic (PMID: 20673863, 20949508, 24924640, 25118028). This variant is not present in population databases (gnomAD no frequency). This premature translational stop signal has been observed in individual(s) with clinical features of NFIX-related conditions (PMID: 36114283). For these reasons, this variant has been classified as Pathogenic.

Literature cited by the submitters: PubMed 20673863; PubMed 20949508; PubMed 24924640; PubMed 25118028; PubMed 36114283.

NM_001365902.3(NFIX):c.657del (p.Val221fs)

Gene: NFIX (nuclear factor I X; plus strand). Cytogenetic location: 19p13.13.
Variant type: Deletion.
Coding change: c.657del on transcript NM_001365902.3 (MANE Select); coding-DNA position 657, one base deleted (C; older notation c.657delC).
Protein change: p.Val221fs; shifts the reading frame from valine 221.
Molecular consequence: frameshift variant.
Genome position (GRCh38, 1-based): chr19:13,073,456, C deleted; the last of 2 consecutive C bases (chr19:13,073,455-13,073,456); deleting either gives the same sequence. VCF-style (leftmost placement, unchanged base first): chr19-13073454-TC-T. GRCh37 (hg19) VCF-style: chr19-13184268-TC-T.
Other names: c.681del, p.Val229fs (NM_001271043.2); c.633del, p.Val213fs (NM_001271044.3, NM_001378404.1, NM_001440616.1 and 1 more transcripts); c.657del, p.Val221fs (NM_001365982.2, NM_002501.4); c.516del, p.Val174fs (NM_001365983.2); c.654del, p.Val220fs (NM_001365984.2, NM_001365985.2); c.705del, p.Val237fs (NM_001378405.1); short protein forms V229fs, V174fs, V213fs, V237fs, V221fs, V220fs.
Identifiers: ClinVar variation 4783878 (VCV004783878.1).